The following is an entry in ClinVar:

NM_152564.5(VPS13B):c.11413_11414del (p.Leu3805fs)

Gene: VPS13B (vacuolar protein sorting 13 homolog B; plus strand). Cytogenetic location: 8q22.2.
Variant type: Deletion.
Coding change: c.11413_11414del on transcript NM_152564.5 (MANE Select); coding-DNA positions 11413 to 11414, 2 bases deleted (CT; older notation c.11413_11414delCT).
Protein change: p.Leu3805fs; shifts the reading frame from leucine 3805.
Molecular consequence: frameshift variant.
Genome position (GRCh38, 1-based): chr8:99,870,805-99,870,806, CT deleted. VCF-style (leftmost placement, unchanged base first): chr8-99870804-ACT-A. GRCh37 (hg19) VCF-style: chr8-100883032-ACT-A.
Other names: c.11488_11489del, p.Leu3830fs (NM_017890.5); short protein forms L3805fs, L3830fs.
Identifiers: ClinVar variation 2162767 (VCV002162767.5), dbSNP rs2492368169, ClinGen allele CA2580079248.

ClinVar aggregate classification (germline): Pathogenic. Review status: criteria provided, multiple submitters, no conflicts (2 of 4 stars). 2 submissions from 2 submitters: Pathogenic (2). Last evaluated 2026-06-15.

Conditions:
Cohen syndrome (COH1). Also called: Cutis verticis gyrata, retinitis pigmentosa, and sensorineural deafness; PEPPER SYNDROME. Identifiers: Orphanet 193, MedGen C0265223, MONDO:0008999, OMIM 216550.

Allele frequency attached by ClinVar (database versions not stated): gnomAD exomes below 0.00001.

Submissions (2):

Centro Nacional de Genética Medica, Administración Nacional de Laboratorios e Institutos de Salud (ANLIS) “Dr. Carlos G Malbrán”
Classification: Pathogenic for Cohen syndrome. Last evaluated: 2026-06-15. Review status: criteria provided, single submitter. Criteria: ACMG Guidelines, 2015. Collection method: clinical testing. Allele origin: germline. Affected: yes. Observed: 2 variant alleles.
Comment: This variant is located at the third nucleotide position of intron 46, between exons 46 and 47/62 of the VPS13B gene. The substitution of guanine by cytosine occurs immediately adjacent to the canonical donor splice site. The splicing process is responsible for removing introns and correctly joining exons to generate a functional mRNA transcript. Accurate recognition of canonical splice sites by the spliceosome is essential for this process. One of the key components involved in splice-site recognition is U1 small nuclear RNA (U1 snRNA), which binds to the 5′ donor splice site through complementary base pairing (PMID: 3757028). Experimental studies have demonstrated that sequence changes within this region can impair proper splice-site recognition and disrupt mRNA processing (PMID: 3757028; PMID: 7350545). Although variants affecting the canonical splice-site positions (+1 and +2) are the most widely recognized, alterations at position +3 have also been shown to significantly affect splicing. This nucleotide contributes to the interaction with U1 snRNA and exhibits a high degree of evolutionary conservation. Indeed, pathogenic variants affecting the +3 position have been reported to cause loss of the canonical splice site or exon skipping, demonstrating that this position is also critical for proper splice-site recognition (PMID: 16317551; PMID: 34672437). In silico splice prediction tools, including SpliceAI, dbscSNV Ada, and dbscSNV RF, predict a deleterious effect on splicing (PP3). The identified variant is absent from population databases such as gnomAD, ExAC, and the 1000 Genomes Project (PM2_Supporting). The patient's phenotype is consistent with Cohen syndrome, supporting the association between the identified VPS13B variants and the clinical presentation (PP4).

Labcorp Genetics (formerly Invitae), Labcorp
Classification: Pathogenic for Cohen syndrome. Last evaluated: 2025-01-02. Review status: criteria provided, single submitter. Criteria: Invitae Variant Classification Sherloc (09022015). Collection method: clinical testing. Allele origin: germline.
Comment: This sequence change creates a premature translational stop signal (p.Leu3830Phefs*12) in the VPS13B gene. It is expected to result in an absent or disrupted protein product. Loss-of-function variants in VPS13B are known to be pathogenic (PMID: 15141358, 16648375, 20461111). This variant is not present in population databases (gnomAD no frequency). This variant has not been reported in the literature in individuals affected with VPS13B-related conditions. ClinVar contains an entry for this variant (Variation ID: 2162767). For these reasons, this variant has been classified as Pathogenic.

Literature cited by the submitters: PubMed 3757028 (cited by Centro Nacional de Genética Medica, Administración Nacional de Laboratorios e Institutos de Salud (ANLIS) “Dr. Carlos G Malbrán”); PubMed 7350545 (cited by Centro Nacional de Genética Medica, Administración Nacional de Laboratorios e Institutos de Salud (ANLIS) “Dr. Carlos G Malbrán”); PubMed 16317551 (cited by Centro Nacional de Genética Medica, Administración Nacional de Laboratorios e Institutos de Salud (ANLIS) “Dr. Carlos G Malbrán”); PubMed 34672437 (cited by Centro Nacional de Genética Medica, Administración Nacional de Laboratorios e Institutos de Salud (ANLIS) “Dr. Carlos G Malbrán”); PubMed 15141358 (cited by Labcorp Genetics (formerly Invitae), Labcorp); PubMed 16648375 (cited by Labcorp Genetics (formerly Invitae), Labcorp); PubMed 20461111 (cited by Labcorp Genetics (formerly Invitae), Labcorp).